The following is an entry in ClinVar:

ClinVar aggregate classification (germline): Uncertain significance. Review status: criteria provided, multiple submitters, no conflicts (2 of 4 stars). 3 submissions from 3 submitters: Uncertain significance (3). Last evaluated 2025-10-07.

Conditions:
Hereditary cancer-predisposing syndrome. Also called: Neoplastic Syndromes, Hereditary; Tumor predisposition; Hereditary Cancer Syndrome; Hereditary neoplastic syndrome. Identifiers: Orphanet 140162, MedGen C0027672, MeSH D009386, MONDO:0015356.
Intellectual disability, autosomal dominant 16 (CSS4). Also called: COFFIN-SIRIS SYNDROME 4. Identifiers: Orphanet 1465, MedGen C3553249, MONDO:0013821, OMIM 614609.
Rhabdoid tumor predisposition syndrome 2 (RTPS2). Identifiers: Orphanet 231108, Orphanet 69077, MedGen C2750074, MONDO:0013224, OMIM 613325.

Allele frequency attached by ClinVar (database versions not stated): TOPMed below 0.00001.

Submissions (3):

Labcorp Genetics (formerly Invitae), Labcorp
Classification: Uncertain significance for Rhabdoid tumor predisposition syndrome 2. Last evaluated: 2025-10-07. Review status: criteria provided, single submitter. Criteria: Invitae Variant Classification Sherloc (09022015). Collection method: clinical testing. Allele origin: germline.
Comment: This sequence change replaces arginine, which is basic and polar, with histidine, which is basic and polar, at codon 1323 of the SMARCA4 protein (p.Arg1323His). This variant is not present in population databases (gnomAD no frequency). This variant has not been reported in the literature in individuals affected with SMARCA4-related conditions. ClinVar contains an entry for this variant (Variation ID: 484909). Invitae Evidence Modeling of protein sequence and biophysical properties (such as structural, functional, and spatial information, amino acid conservation, physicochemical variation, residue mobility, and thermodynamic stability) indicates that this missense variant is expected to disrupt SMARCA4 protein function with a positive predictive value of 95%. In summary, the available evidence is currently insufficient to determine the role of this variant in disease. Therefore, it has been classified as a Variant of Uncertain Significance.

Ambry Genetics
Classification: Uncertain significance for Hereditary cancer-predisposing syndrome. Last evaluated: 2025-09-03. Review status: criteria provided, single submitter. Criteria: Ambry Variant Classification Scheme 2023. Collection method: clinical testing. Allele origin: germline.
Comment: The p.R1323H variant (also known as c.3968G>A), located in coding exon 28 of the SMARCA4 gene, results from a G to A substitution at nucleotide position 3968. The arginine at codon 1323 is replaced by histidine, an amino acid with highly similar properties. This amino acid position is highly conserved in available vertebrate species. In addition, this alteration is predicted to be deleterious by in silico analysis. Based on the available evidence, the clinical significance of this variant remains unclear.

Genome-Nilou Lab
Classification: Uncertain significance for Intellectual disability, autosomal dominant 16. Last evaluated: 2021-07-15. Review status: criteria provided, single submitter. Criteria: ACMG Guidelines, 2015. Collection method: clinical testing. Allele origin: germline. Affected: no.

NM_003072.5(SMARCA4):c.3968G>A (p.Arg1323His)

Gene: SMARCA4 (SWI/SNF related BAF chromatin remodeling complex subunit ATPase 4; plus strand). Cytogenetic location: 19p13.2.
Variant type: single nucleotide variant.
Coding change: c.3968G>A on transcript NM_003072.5 (MANE Select); coding-DNA position 3968, G replaced by A.
Protein change: p.Arg1323His; replaces arginine 1323 with histidine.
Molecular consequence: missense variant. On other transcripts: non-coding transcript variant (1).
Genome position (GRCh38, 1-based): chr19:11,034,930, G>A. VCF-style: chr19-11034930-G-A. GRCh37 (hg19) VCF-style: chr19-11145606-G-A.
Other names: c.3968G>A, p.Arg1323His (NM_001128844.3, NM_001128849.3, NM_001387283.1); c.3869G>A, p.Arg1290His (NM_001128845.2, NM_001128846.2, NM_001128847.4 and 2 more transcripts); short protein forms R1323H, R1290H.
Identifiers: ClinVar variation 484909 (VCV000484909.16), dbSNP rs61750054, ClinGen allele CA305291447.